The following is an entry in ClinVar:

ClinVar aggregate classification (germline): Uncertain significance (1 of 4 stars; one submission).

Conditions:
Inborn genetic diseases. Identifiers: MedGen C0950123, MeSH D030342.

Submission:

Ambry Genetics
Classification: Uncertain significance for Inborn genetic diseases. Last evaluated: 2025-09-28. Review status: criteria provided, single submitter. Criteria: Ambry Variant Classification Scheme 2023. Collection method: clinical testing. Allele origin: germline.
Comment: The p.S851P variant (also known as c.2551T>C), located in coding exon 9 of the MECOM gene, results from a T to C substitution at nucleotide position 2551. The serine at codon 851 is replaced by proline, an amino acid with similar properties. This amino acid position is conserved. In addition, this alteration is predicted to be tolerated by in silico analysis. Based on the available evidence, the clinical significance of this variant remains unclear.

NM_004991.4(MECOM):c.2551T>C (p.Ser851Pro)

Gene: MECOM (MDS1 and EVI1 complex locus; minus strand). Cytogenetic location: 3q26.2.
Variant type: single nucleotide variant.
Coding change: c.2551T>C on transcript NM_004991.4 (MANE Select); coding-DNA position 2551, T replaced by C.
Protein change: p.Ser851Pro; replaces serine 851 with proline.
Molecular consequence: missense variant.
Genome position (GRCh38, 1-based): chr3:169,112,813, A>G on the plus strand (T>C on the coding strand, the complement: MECOM is on the minus strand). VCF-style: chr3-169112813-A-G. GRCh37 (hg19) VCF-style: chr3-168830601-A-G.
Other names: c.2182T>C, p.Ser728Pro (NM_001105077.4); c.1987T>C, p.Ser663Pro (NM_001105078.4, NM_001164000.2, NM_001205194.2 and 4 more transcripts); c.1990T>C, p.Ser664Pro (NM_001163999.2, NM_001366467.2, NM_001366468.2 and 1 more transcripts); c.2551T>C, p.Ser851Pro (NM_001366466.2); c.1579T>C, p.Ser527Pro (NM_001366473.2); c.1015T>C, p.Ser339Pro (NM_001366474.2); short protein forms S663P, S527P, S728P, S851P, S339P, S664P.
Identifiers: ClinVar variation 4624612 (VCV004624612.1).
Genomic context (GRCh38, chr3:169,112,813, plus strand): 5'-TACAAGCTGGAAATCTCAAATCCAAAATACTTACTTGTGGGTGAAACAAGAATCCTGGAG[A>G]AGGCCTCAAGTATTTCTCTTTTAAAGCTTCAAGTGGGTCAGTTAGTTTTCTTTTCTCTAC-3'
Protein context (NP_004982.2, residues 841-861): EALKEKYLRP[Ser851Pro]PGFLFHPQFQ